The following is an entry in ClinVar:

ClinVar aggregate classification (germline): Pathogenic/Likely pathogenic. Review status: criteria provided, multiple submitters, no conflicts (2 of 4 stars). 2 submissions from 2 submitters: Pathogenic (1); Likely pathogenic (1). Last evaluated 2025-03-24.

Conditions:
Rubinstein-Taybi syndrome due to CREBBP mutations (RSTS1). Also called: RUBINSTEIN-TAYBI SYNDROME 1, INCOMPLETE; Rubinstein-Taybi syndrome 1; CREBBP-Related Rubinstein-Taybi Syndrome; BROAD THUMBS AND GREAT TOES, CHARACTERISTIC FACIES, AND IMPAIRED INTELLECTUAL DEVELOPMENT; BROAD THUMB-HALLUX SYNDROME; RUBINSTEIN SYNDROME. Identifiers: Orphanet 353277, Orphanet 783, MedGen C4551859, MONDO:0008393, OMIM 180849.

Allele frequency attached by ClinVar (database versions not stated): TOPMed below 0.00001.

Submissions (2):

GeneDx
Classification: Pathogenic. Last evaluated: 2025-03-24. Review status: criteria provided, single submitter. Criteria: GeneDx Variant Classification Process June 2021. Collection method: clinical testing. Allele origin: germline. Affected: yes.
Comment: Not observed at significant frequency in large population cohorts (gnomAD); In silico analysis supports that this missense variant has a deleterious effect on protein structure/function; This variant is associated with the following publications: (PMID: 33057194, 35982159, 30892814, 27311832, 32371413)

Institute for Genomic Medicine (IGM) Clinical Laboratory, Nationwide Children's Hospital
Classification: Likely pathogenic for Rubinstein-Taybi syndrome due to CREBBP mutations. Last evaluated: 2018-04-16. Review status: criteria provided, single submitter. Criteria: ACMG Guidelines, 2015. Collection method: clinical testing. Allele origin: germline. Affected: yes.
Comment: [ACMG/AMP: PS2, PM1, PM2, PP3] This alteration is de novo in origin as it was not detected in the submitted parental specimens (identity confirmed) [PS2], is located in a mutational hotspot and/or critical and well-established functional domain [PM1], is absent from or rarely observed in large-scale population databases [PM2], is predicted to be damaging by multiple functional prediction tools [PP3].

NM_004380.3(CREBBP):c.5357G>A (p.Arg1786His)

Gene: CREBBP (CREB binding lysine acetyltransferase; minus strand). Cytogenetic location: 16p13.3.
Variant type: single nucleotide variant.
Coding change: c.5357G>A on transcript NM_004380.3 (MANE Select); coding-DNA position 5357, G replaced by A.
Protein change: p.Arg1786His; replaces arginine 1786 with histidine.
Molecular consequence: missense variant.
Genome position (GRCh38, 1-based): chr16:3,729,690, C>T on the plus strand (G>A on the coding strand, the complement: CREBBP is on the minus strand). VCF-style: chr16-3729690-C-T. GRCh37 (hg19) VCF-style: chr16-3779691-C-T.
Other names: c.5243G>A, p.Arg1748His (NM_001079846.1); short protein forms R1748H, R1786H.
Identifiers: ClinVar variation 973217 (VCV000973217.8), dbSNP rs988251457, ClinGen allele CA276972266.